The following is an entry in ClinVar:

NM_005210.4(CRYGB):c.324C>T (p.Asp108=)

Genes: CRYGB (crystallin gamma B; minus strand), LOC100507443 (uncharacterized LOC100507443; plus strand). Cytogenetic location: 2q33.3.
Variant type: single nucleotide variant.
Coding change: c.324C>T on transcript NM_005210.4 (MANE Select); coding-DNA position 324, C replaced by T.
Protein change: p.Asp108=; no amino-acid change (aspartic acid 108 retained).
Molecular consequence: synonymous variant.
Genome position (GRCh38, 1-based): chr2:208,142,842, G>A on the plus strand (C>T on the coding strand, the complement: CRYGB is on the minus strand). VCF-style: chr2-208142842-G-A. GRCh37 (hg19) VCF-style: chr2-209007566-G-A.
Identifiers: ClinVar variation 3045627 (VCV003045627.2), dbSNP rs373684892, ClinGen allele CA2078076.

ClinVar aggregate classification (germline): Likely benign (0 of 4 stars; one submission).

Conditions:
CRYGB-related disorder. Also called: CRYGB-related condition.

Allele frequency attached by ClinVar (database versions not stated): ExAC 0.00003; gnomAD exomes 0.00007; gnomAD 0.00014; ESP Exome Variant Server 0.00015; TOPMed 0.00015.
gnomAD v4.1: 130 of 1,614,002 alleles (0.0081%); highest among the groups gnomAD compares: Middle Eastern, 0.13%; 1 homozygote.

Submission:

PreventionGenetics, part of Exact Sciences
Classification: Likely benign for CRYGB-related condition. Last evaluated: 2024-09-11. Review status: no assertion criteria provided. Collection method: clinical testing. Allele origin: germline.
Comment: This variant is classified as likely benign based on ACMG/AMP sequence variant interpretation guidelines (Richards et al. 2015 PMID: 25741868, with internal and published modifications).